The following is an entry in ClinVar:

ClinVar aggregate classification (germline): Uncertain significance (1 of 4 stars; one submission).

Conditions:
Familial cancer of breast. Also called: hereditary breast carcinoma; BREAST CANCER, FAMILIAL; Hereditary breast cancer. Identifiers: Orphanet 227535, MedGen C0346153, MONDO:0016419, OMIM 114480. Disease mechanism: loss of function.

Submission:

Labcorp Genetics (formerly Invitae), Labcorp
Classification: Uncertain significance for Familial cancer of breast. Last evaluated: 2025-07-29. Review status: criteria provided, single submitter. Criteria: Invitae Variant Classification Sherloc (09022015). Collection method: clinical testing. Allele origin: germline.
Comment: This sequence change replaces lysine, which is basic and polar, with glutamic acid, which is acidic and polar, at codon 73 of the PALB2 protein (p.Lys73Glu). This variant is not present in population databases (gnomAD no frequency). This variant has not been reported in the literature in individuals affected with PALB2-related conditions. An algorithm developed to predict the effect of missense changes on protein structure and function outputs the following: PolyPhen-2: "Benign". The glutamic acid amino acid residue is found in multiple mammalian species, which suggests that this missense change does not adversely affect protein function. In summary, the available evidence is currently insufficient to determine the role of this variant in disease. Therefore, it has been classified as a Variant of Uncertain Significance.

NM_024675.4(PALB2):c.217A>G (p.Lys73Glu)

Gene: PALB2 (partner and localizer of BRCA2; minus strand). Cytogenetic location: 16p12.2.
Variant type: single nucleotide variant.
Coding change: c.217A>G on transcript NM_024675.4 (MANE Select); coding-DNA position 217, A replaced by G.
Protein change: p.Lys73Glu; replaces lysine 73 with glutamic acid.
Molecular consequence: missense variant. On other transcripts: 5 prime UTR variant (8), intron variant (3).
Genome position (GRCh38, 1-based): chr16:23,636,329, T>C on the plus strand (A>G on the coding strand, the complement: PALB2 is on the minus strand). VCF-style: chr16-23636329-T-C. GRCh37 (hg19) VCF-style: chr16-23647650-T-C.
Other names: c.157A>G, p.Lys53Glu (NM_001407296.1); c.217A>G, p.Lys73Glu (NM_001407297.1, NM_001407298.1, NM_001407299.1 and 3 more transcripts); c.-669A>G (NM_001407304.1, NM_001407305.1, NM_001407306.1 and 5 more transcripts); c.48+4781A>G (NM_001407314.1); c.-105+4781A>G (NM_001407313.1, NM_001407312.1); short protein forms K53E, K73E.
Identifiers: ClinVar variation 4724211 (VCV004724211.1).